The following is an entry in ClinVar:

NM_001943.5(DSG2):c.2520C>A (p.Cys840Ter)

Genes: DSG2 (desmoglein 2; plus strand), DSG2-AS1 (DSG2 antisense RNA 1; minus strand). Cytogenetic location: 18q12.1.
Variant type: single nucleotide variant.
Coding change: c.2520C>A on transcript NM_001943.5 (MANE Select); coding-DNA position 2520, C replaced by A.
Protein change: p.Cys840Ter; replaces cysteine 840 with a stop codon.
Molecular consequence: nonsense. On other transcripts: non-coding transcript variant (1).
Genome position (GRCh38, 1-based): chr18:31,545,906, C>A. VCF-style: chr18-31545906-C-A. GRCh37 (hg19) VCF-style: chr18-29125869-C-A.
Other names: short protein forms C840*.
Identifiers: ClinVar variation 3620565 (VCV003620565.2).

ClinVar aggregate classification (germline): Pathogenic (1 of 4 stars; one submission).

Conditions:
Arrhythmogenic right ventricular dysplasia 10. Also called: Arrhythmogenic Right Ventricular Dysplasia/Cardiomyopathy10; ARRHYTHMOGENIC RIGHT VENTRICULAR DYSPLASIA, FAMILIAL, 10; Arrhythmogenic right ventricular dysplasia/cardiomyopathy, type 10. Identifiers: MedGen C1857777, MONDO:0012434, OMIM 610193.

Submission:

Labcorp Genetics (formerly Invitae), Labcorp
Classification: Pathogenic for Arrhythmogenic right ventricular dysplasia 10. Last evaluated: 2025-09-30. Review status: criteria provided, single submitter. Criteria: Invitae Variant Classification Sherloc (09022015). Collection method: clinical testing. Allele origin: germline.
Comment: This sequence change creates a premature translational stop signal (p.Cys840*) in the DSG2 gene. While this is not anticipated to result in nonsense mediated decay, it is expected to disrupt the last 279 amino acid(s) of the DSG2 protein. This variant is not present in population databases (gnomAD no frequency). This variant has not been reported in the literature in individuals affected with DSG2-related conditions. ClinVar contains an entry for this variant (Variation ID: 3620565). This variant disrupts a region of the DSG2 protein in which other variant(s) (p.Glu1020Alafs*18) have been determined to be pathogenic (PMID: 20864495, 21397041, 23381804). This suggests that this is a clinically significant region of the protein, and that variants that disrupt it are likely to be disease-causing. For these reasons, this variant has been classified as Pathogenic.

Literature cited by the submitters: PubMed 20864495; PubMed 21397041; PubMed 23381804.